The following is an entry in ClinVar:

ClinVar aggregate classification (germline): Uncertain significance. Review status: criteria provided, multiple submitters, no conflicts (2 of 4 stars). 2 submissions from 2 submitters: Uncertain significance (2). Last evaluated 2022-12-04.

Conditions:
Ullrich congenital muscular dystrophy 2 (UCMD2). Identifiers: Orphanet 75840, MedGen C4225314, MONDO:0014654, OMIM 616470.
Bethlem myopathy 2 (BTHLM2). Identifiers: Orphanet 536516, Orphanet 610, MedGen C4225313, MONDO:0034022, OMIM 616471.

Submissions (2):

Labcorp Genetics (formerly Invitae), Labcorp
Classification: Uncertain significance for Bethlem myopathy 2; Ullrich congenital muscular dystrophy 2. Last evaluated: 2022-12-04. Review status: criteria provided, single submitter. Criteria: Invitae Variant Classification Sherloc (09022015). Collection method: clinical testing. Allele origin: germline.
Comment: In summary, the available evidence is currently insufficient to determine the role of this variant in disease. Therefore, it has been classified as a Variant of Uncertain Significance. Algorithms developed to predict the effect of missense changes on protein structure and function are either unavailable or do not agree on the potential impact of this missense change (SIFT: "Deleterious"; PolyPhen-2: "Possibly Damaging"; Align-GVGD: "Class C0"). This variant has not been reported in the literature in individuals affected with COL12A1-related conditions. This variant is not present in population databases (gnomAD no frequency). This sequence change replaces proline, which is neutral and non-polar, with serine, which is neutral and polar, at codon 1565 of the COL12A1 protein (p.Pro1565Ser).

GeneDx
Classification: Uncertain significance. Last evaluated: 2022-07-18. Review status: criteria provided, single submitter. Criteria: GeneDx Variant Classification Process June 2021. Collection method: clinical testing. Allele origin: germline. Affected: yes.
Comment: Not observed at significant frequency in large population cohorts (gnomAD); In silico analysis supports that this missense variant has a deleterious effect on protein structure/function; Has not been previously published as pathogenic or benign to our knowledge

NM_004370.6(COL12A1):c.4693C>T (p.Pro1565Ser)

Gene: COL12A1 (collagen type XII alpha 1 chain; minus strand). Cytogenetic location: 6q13.
Variant type: single nucleotide variant.
Coding change: c.4693C>T on transcript NM_004370.6 (MANE Select); coding-DNA position 4693, C replaced by T.
Protein change: p.Pro1565Ser; replaces proline 1565 with serine.
Molecular consequence: missense variant.
Genome position (GRCh38, 1-based): chr6:75,143,386, G>A on the plus strand (C>T on the coding strand, the complement: COL12A1 is on the minus strand). VCF-style: chr6-75143386-G-A. GRCh37 (hg19) VCF-style: chr6-75853102-G-A.
Other names: c.1201C>T, p.Pro401Ser (NM_080645.3); short protein forms P401S, P1565S.
Identifiers: ClinVar variation 2136029 (VCV002136029.4), dbSNP rs2533346375, ClinGen allele CA364742517.
Genomic context (GRCh38, chr6:75,143,386, plus strand): 5'-AGACATTCATAGTGCTGTGAGTCACATCTCTGAGTTTCAGATCCTGAGGTCTGGGTAAAG[G>A]CACTAGAGAAGCACGAGATATTAAATCCAGATGTGCTTCTCAACCACAAAGCTCCAAAGC-3'
Protein context (NP_004361.3, residues 1555-1575): EPVTVREVTL[Pro1565Ser]LPRPQDLKLR